The following is an entry in ClinVar:

ClinVar aggregate classification (germline): Uncertain significance (1 of 4 stars; one submission).

gnomAD v4.1: 1 of 1,203,386 alleles (0.000083%); highest among the groups gnomAD compares: East Asian, 0.003%; no homozygotes.

Submission:

Labcorp Genetics (formerly Invitae), Labcorp
Classification: Uncertain significance. Last evaluated: 2024-12-03. Review status: criteria provided, single submitter. Criteria: Invitae Variant Classification Sherloc (09022015). Collection method: clinical testing. Allele origin: germline.
Comment: This sequence change falls in intron 8 of the POLA1 gene. It does not directly change the encoded amino acid sequence of the POLA1 protein. It affects a nucleotide within the consensus splice site. This variant is not present in population databases (gnomAD no frequency). This variant has not been reported in the literature in individuals affected with POLA1-related conditions. Variants that disrupt the consensus splice site are a relatively common cause of aberrant splicing (PMID: 17576681, 9536098). Algorithms developed to predict the effect of sequence changes on RNA splicing suggest that this variant is not likely to affect RNA splicing. In summary, the available evidence is currently insufficient to determine the role of this variant in disease. Therefore, it has been classified as a Variant of Uncertain Significance.

Literature cited by the submitters: PubMed 17576681; PubMed 9536098.

NM_001330360.2(POLA1):c.707-3C>T

Gene: POLA1 (DNA polymerase alpha 1, catalytic subunit; plus strand). Cytogenetic location: Xp22.11.
Variant type: single nucleotide variant.
Coding change: c.707-3C>T on transcript NM_001330360.2 (MANE Select); 3 bases into the intron before coding-DNA position 707, C replaced by T.
Molecular consequence: intron variant.
Genome position (GRCh38, 1-based): chrX:24,717,287, C>T. VCF-style: chrX-24717287-C-T. GRCh37 (hg19) VCF-style: chrX-24735404-C-T.
Other names: c.707-3C>T (NM_001378303.1); c.689-3C>T (NM_016937.4).
Identifiers: ClinVar variation 3726527 (VCV003726527.2).